The following is an entry in ClinVar:

NM_002582.4(PARN):c.1132G>A (p.Glu378Lys)

Gene: PARN (poly(A)-specific ribonuclease; minus strand). Cytogenetic location: 16p13.12.
Variant type: single nucleotide variant.
Coding change: c.1132G>A on transcript NM_002582.4 (MANE Select); coding-DNA position 1132, G replaced by A.
Protein change: p.Glu378Lys; replaces glutamic acid 378 with lysine.
Molecular consequence: missense variant.
Genome position (GRCh38, 1-based): chr16:14,582,241, C>T on the plus strand (G>A on the coding strand, the complement: PARN is on the minus strand). VCF-style: chr16-14582241-C-T. GRCh37 (hg19) VCF-style: chr16-14676098-C-T.
Other names: c.949G>A, p.Glu317Lys (NM_001134477.3); c.994G>A, p.Glu332Lys (NM_001242992.2); short protein forms E317K, E378K, E332K.
Identifiers: ClinVar variation 939460 (VCV000939460.25), dbSNP rs761566642, ClinGen allele CA7912142.
Genomic context (GRCh38, chr16:14,582,241, plus strand): 5'-CTAGGTAATTGGCCATGGAGATGAAGCACAGCCCTGTGATGTAGGCATCGTAGCCTGCCT[C>T]GTGGAGTTGTTCAGAGGCTGTGTCATAACTTGGAAAACCTTCGGCACTTTCTAAGAAAAA-3'
Protein context (NP_002573.1, residues 368-388): SYDTASEQLH[Glu378Lys]AGYDAYITGL

ClinVar aggregate classification (germline): Uncertain significance. Review status: criteria provided, multiple submitters, no conflicts (2 of 4 stars). 2 submissions from 2 submitters: Uncertain significance (2). Last evaluated 2026-01-24.

Conditions:
Dyskeratosis congenita, autosomal recessive 6 (DKCB6). Identifiers: MedGen C4225356, MONDO:0014600, OMIM 616353.
Pulmonary fibrosis and/or bone marrow failure, Telomere-related, 4. Also called: PULMONARY FIBROSIS AND/OR BONE MARROW FAILURE SYNDROME, TELOMERE-RELATED, 4. Identifiers: Orphanet 2032, MedGen C4225347, MONDO:0014612, OMIM 616371.

Allele frequency attached by ClinVar (database versions not stated): gnomAD 0.00001 and 0.00002; TOPMed 0.00001; gnomAD exomes 0.00005 and 0.00006; ExAC 0.00007.
gnomAD v4.1: 75 of 1,613,678 alleles (0.0046%); highest among the groups gnomAD compares: South Asian, 0.034%; 1 homozygote.

Submissions (2):

Labcorp Genetics (formerly Invitae), Labcorp
Classification: Uncertain significance for Dyskeratosis congenita, autosomal recessive 6; Pulmonary fibrosis and/or bone marrow failure, Telomere-related, 4. Last evaluated: 2026-01-24. Review status: criteria provided, single submitter. Criteria: Invitae Variant Classification Sherloc (09022015). Collection method: clinical testing. Allele origin: germline.
Comment: This sequence change replaces glutamic acid, which is acidic and polar, with lysine, which is basic and polar, at codon 378 of the PARN protein (p.Glu378Lys). This variant is present in population databases (rs761566642, gnomAD 0.04%). This variant has not been reported in the literature in individuals affected with PARN-related conditions. ClinVar contains an entry for this variant (Variation ID: 939460). Invitae Evidence Modeling of protein sequence and biophysical properties (such as structural, functional, and spatial information, amino acid conservation, physicochemical variation, residue mobility, and thermodynamic stability) indicates that this missense variant is expected to disrupt PARN protein function with a positive predictive value of 80%. In summary, the available evidence is currently insufficient to determine the role of this variant in disease. Therefore, it has been classified as a Variant of Uncertain Significance.

CeGaT Center for Human Genetics Tuebingen
Classification: Uncertain significance. Last evaluated: 2024-06-01. Review status: criteria provided, single submitter. Criteria: CeGaT Center For Human Genetics Tuebingen Variant Classification Criteria Version 2. Collection method: clinical testing. Allele origin: germline. Affected: yes. Observed: 1 variant allele.
Comment: PARN: PM2